The following is an entry in ClinVar:

ClinVar aggregate classification (germline): Uncertain significance. Review status: criteria provided, multiple submitters, no conflicts (2 of 4 stars). 2 submissions from 2 submitters: Uncertain significance (2). Last evaluated 2025-09-28.

Conditions:
Inborn genetic diseases. Identifiers: MedGen C0950123, MeSH D030342.

Allele frequency attached by ClinVar (database versions not stated): ESP Exome Variant Server 0.00017; gnomAD exomes 0.00008; TOPMed 0.00011; ExAC 0.00009; gnomAD 0.00009 and 0.00010.
gnomAD v4.1: 124 of 1,610,566 alleles (0.0077%); highest among the groups gnomAD compares: Middle Eastern, 0.033%; no homozygotes.

Submissions (2):

Ambry Genetics
Classification: Uncertain significance for Inborn genetic diseases. Last evaluated: 2025-09-28. Review status: criteria provided, single submitter. Criteria: Ambry Variant Classification Scheme 2023. Collection method: clinical testing. Allele origin: germline.

GeneDx
Classification: Uncertain significance. Last evaluated: 2019-05-31. Review status: criteria provided, single submitter. Criteria: GeneDx Variant Classification Process June 2021. Collection method: clinical testing. Allele origin: germline. Affected: yes.
Comment: In silico analysis, which includes protein predictors and evolutionary conservation, supports a deleterious effect; Has not been previously published as pathogenic or benign to our knowledge

NM_198569.3(ADGRG6):c.3059T>C (p.Ile1020Thr)

Gene: ADGRG6 (adhesion G protein-coupled receptor G6; plus strand). Cytogenetic location: 6q24.2.
Variant type: single nucleotide variant.
Coding change: c.3059T>C on transcript NM_198569.3 (MANE Select); coding-DNA position 3059, T replaced by C.
Protein change: p.Ile1020Thr; replaces isoleucine 1020 with threonine.
Molecular consequence: missense variant.
Genome position (GRCh38, 1-based): chr6:142,419,844, T>C. VCF-style: chr6-142419844-T-C. GRCh37 (hg19) VCF-style: chr6-142740981-T-C.
Other names: c.2975T>C, p.Ile992Thr (NM_001032394.3, NM_001032395.3); c.3059T>C, p.Ile1020Thr (NM_020455.6); short protein forms I1020T, I992T.
Identifiers: ClinVar variation 1302677 (VCV001302677.3), dbSNP rs371643501, ClinGen allele CA4027340.